The following is an entry in ClinVar:

ClinVar aggregate classification (germline): Uncertain significance (1 of 4 stars; one submission).

gnomAD v4.1: 1 of 1,613,154 alleles (0.000062%); highest among the groups gnomAD compares: Non-Finnish European, 0.000085%; no homozygotes.

Submission:

Labcorp Genetics (formerly Invitae), Labcorp
Classification: Uncertain significance. Last evaluated: 2023-12-11. Review status: criteria provided, single submitter. Criteria: Invitae Variant Classification Sherloc (09022015). Collection method: clinical testing. Allele origin: germline.
Comment: This sequence change replaces valine, which is neutral and non-polar, with isoleucine, which is neutral and non-polar, at codon 173 of the C2 protein (p.Val173Ile). This variant is not present in population databases (gnomAD no frequency). This variant has not been reported in the literature in individuals affected with C2-related conditions. ClinVar contains an entry for this variant (Variation ID: 1394495). An algorithm developed to predict the effect of missense changes on protein structure and function (PolyPhen-2) suggests that this variant is likely to be disruptive. In summary, the available evidence is currently insufficient to determine the role of this variant in disease. Therefore, it has been classified as a Variant of Uncertain Significance.

NM_000063.6(C2):c.517G>A (p.Val173Ile)

Gene: C2 (complement C2; plus strand). Cytogenetic location: 6p21.33.
Variant type: single nucleotide variant.
Coding change: c.517G>A on transcript NM_000063.6 (MANE Select); coding-DNA position 517, G replaced by A.
Protein change: p.Val173Ile; replaces valine 173 with isoleucine.
Molecular consequence: missense variant. On other transcripts: synonymous variant (1).
Genome position (GRCh38, 1-based): chr6:31,933,684, G>A. VCF-style: chr6-31933684-G-A. GRCh37 (hg19) VCF-style: chr6-31901461-G-A.
Other names: c.121G>A, p.Val41Ile (NM_001145903.3); c.148G>A, p.Val50Ile (NM_001178063.3); c.12G>A, p.Arg4= (NM_001282457.2); c.430G>A, p.Val144Ile (NM_001282458.2); c.517G>A, p.Val173Ile (NM_001282459.2); short protein forms V173I, V144I, V50I, V41I.
Identifiers: ClinVar variation 1394495 (VCV001394495.6), dbSNP rs2151753241, ClinGen allele CA363495921.